The following is an entry in ClinVar:

ClinVar aggregate classification (germline): Uncertain significance. Review status: criteria provided, multiple submitters, no conflicts (2 of 4 stars). 2 submissions from 2 submitters: Uncertain significance (2). Last evaluated 2025-10-22.

Allele frequency attached by ClinVar (database versions not stated): gnomAD exomes below 0.00001; gnomAD 0.00001.
gnomAD v4.1: 43 of 1,614,052 alleles (0.0027%); highest among the groups gnomAD compares: Non-Finnish European, 0.0035%; no homozygotes.

Submissions (2):

Ambry Genetics
Classification: Uncertain significance. Last evaluated: 2025-10-22. Review status: criteria provided, single submitter. Criteria: Ambry Variant Classification Scheme 2023. Collection method: clinical testing. Allele origin: germline.

Labcorp Genetics (formerly Invitae), Labcorp
Classification: Uncertain significance. Last evaluated: 2021-08-31. Review status: criteria provided, single submitter. Criteria: Invitae Variant Classification Sherloc (09022015). Collection method: clinical testing. Allele origin: germline.
Comment: In summary, the available evidence is currently insufficient to determine the role of this variant in disease. Therefore, it has been classified as a Variant of Uncertain Significance. Algorithms developed to predict the effect of missense changes on protein structure and function are either unavailable or do not agree on the potential impact of this missense change (SIFT: "Deleterious"; PolyPhen-2: "Possibly Damaging"; Align-GVGD: "Class C0"). This variant has not been reported in the literature in individuals affected with KANK1-related conditions. This variant is not present in population databases (ExAC no frequency). This sequence change replaces proline with alanine at codon 1332 of the KANK1 protein (p.Pro1332Ala). The proline residue is highly conserved and there is a small physicochemical difference between proline and alanine.

NM_015158.5(KANK1):c.3994C>G (p.Pro1332Ala)

Gene: KANK1 (KN motif and ankyrin repeat domains 1; plus strand). Cytogenetic location: 9p24.3.
Variant type: single nucleotide variant.
Coding change: c.3994C>G on transcript NM_015158.5 (MANE Select); coding-DNA position 3994, C replaced by G.
Protein change: p.Pro1332Ala; replaces proline 1332 with alanine.
Molecular consequence: missense variant. On other transcripts: non-coding transcript variant (1).
Genome position (GRCh38, 1-based): chr9:744,587, C>G. VCF-style: chr9-744587-C-G. GRCh37 (hg19) VCF-style: chr9-744587-C-G.
Other names: c.3226C>G, p.Pro1076Ala (NM_001354336.2); c.3520C>G, p.Pro1174Ala (NM_001354337.2, NM_001354341.2, NM_153186.6 and 2 more transcripts); c.3466C>G, p.Pro1156Ala (NM_001354338.2, NM_001354340.2, NM_001354344.2); c.3280C>G, p.Pro1094Ala (NM_001354339.2, NM_001354342.2, NM_001354343.2); c.3994C>G (NM_015158.2); c.3994C>G, p.Pro1332Ala (NM_001256876.3, NM_001256877.3, NM_001354334.2); c.3754C>G, p.Pro1252Ala (NM_001354331.2); c.3940C>G, p.Pro1314Ala (NM_001354332.2); short protein forms P1252A, P1332A, P1174A, P1314A, P1076A, P1094A, P1156A.
Identifiers: ClinVar variation 1348559 (VCV001348559.7), dbSNP rs768866619, ClinGen allele CA187805908.